The following is an entry in ClinVar:

NM_198586.3(NHLRC1):c.449G>A (p.Arg150His)

Gene: NHLRC1 (NHL repeat containing E3 ubiquitin protein ligase 1; minus strand). Cytogenetic location: 6p22.3.
Variant type: single nucleotide variant.
Coding change: c.449G>A on transcript NM_198586.3 (MANE Select); coding-DNA position 449, G replaced by A.
Protein change: p.Arg150His; replaces arginine 150 with histidine.
Molecular consequence: missense variant.
Genome position (GRCh38, 1-based): chr6:18,122,158, C>T on the plus strand (G>A on the coding strand, the complement: NHLRC1 is on the minus strand). VCF-style: chr6-18122158-C-T. GRCh37 (hg19) VCF-style: chr6-18122389-C-T.
Other names: short protein forms R150H.
Identifiers: ClinVar variation 1057067 (VCV001057067.4), dbSNP rs749599233, ClinGen allele CA3649994.

ClinVar aggregate classification (germline): Uncertain significance (1 of 4 stars; one submission).

Conditions:
Lafora disease. Also called: Epilepsy progressive myoclonic 2. Identifiers: Orphanet 501, MedGen C0751783, MONDO:0009697.

Allele frequency attached by ClinVar (database versions not stated): gnomAD exomes below 0.00001; ExAC 0.00001; TOPMed 0.00002.

Submission:

Labcorp Genetics (formerly Invitae), Labcorp
Classification: Uncertain significance for Lafora disease. Last evaluated: 2021-09-23. Review status: criteria provided, single submitter. Criteria: Invitae Variant Classification Sherloc (09022015). Collection method: clinical testing. Allele origin: germline.
Comment: This sequence change replaces arginine with histidine at codon 150 of the NHLRC1 protein (p.Arg150His). The arginine residue is highly conserved and there is a small physicochemical difference between arginine and histidine. This variant is present in population databases (rs749599233, ExAC 0.01%). This variant has not been reported in the literature in individuals affected with NHLRC1-related conditions. Advanced modeling of protein sequence and biophysical properties (such as structural, functional, and spatial information, amino acid conservation, physicochemical variation, residue mobility, and thermodynamic stability) performed at Invitae indicates that this missense variant is expected to disrupt NHLRC1 protein function. In summary, the available evidence is currently insufficient to determine the role of this variant in disease. Therefore, it has been classified as a Variant of Uncertain Significance.